The following continues an entry in ClinVar:

NM_017547.4(FOXRED1):c.612_615dup (p.Ala206fs)

Gene: FOXRED1. ClinVar aggregate classification (germline): Pathogenic/Likely pathogenic. Pathogenic (16); Likely pathogenic (3).

Submissions 17 to 19 of 19:

Women's Health and Genetics/Laboratory Corporation of America, LabCorp
Classification: Pathogenic for Leigh syndrome. Last evaluated: 2016-10-24. Review status: criteria provided, single submitter. Criteria: LabCorp Variant Classification Summary - May 2015. Collection method: clinical testing. Allele origin: germline.
Comment: Variant summary: The FOXRED1 c.612_615dupAGTG (p.Ala206Serfs) variant results in a premature termination codon, predicted to cause a truncated or absent FOXRED1 protein due to nonsense mediated decay (NMD), which are commonly known mechanisms for disease. If NMD is escaped, this variant is predicted to truncate Glycine/D-amino acid oxidase domain. Truncation downstream of this position has also been reported (PMID: 20818383). This variant was found in 24/120958 control chromosomes at a frequency of 0.0001984, which does not exceed the estimated maximal expected allele frequency of a pathogenic FOXRED1 variant (0.00125). This variant has been reported in literature in one patient with mitochondrial complex I deficiency in compound heterozygous state with p.R136W variant. In addition, multiple clinical diagnostic laboratories/reputable databases classified this variant as likely pathogenic/pathogenic. Taken together, this variant is classified as Pathogenic.

Eurofins Ntd Llc (ga)
Classification: Likely pathogenic. Last evaluated: 2015-10-12. Review status: criteria provided, single submitter. Criteria: EGL Classification Definitions. Collection method: clinical testing. Allele origin: germline. Observed: 2 variant alleles, 2 heterozygotes.

Laboratory for Molecular Medicine, Mass General Brigham Personalized Medicine
Classification: Likely pathogenic for Mitochondrial complex I deficiency. Last evaluated: 2014-07-08. Review status: criteria provided, single submitter. Criteria: LMM Criteria. Collection method: clinical testing. Allele origin: germline. Inheritance: Autosomal recessive inheritance. Observed: 1 variant allele. Study: CSER-MedSeq.
Comment: The Ala206SerfsX15 variant has been identified in 0.012% (1/8254) of European American chromosomes and 0.023% (1/4264) of African American chromosomes by the NHLBI Exome Sequencing Project. The same frameshift variant (but from a different nucleotide variant) in FOXRED1 has been reported in 1 individual with mitochondrial complex I deficiency (Haack 2012). This individual was compound heterozygous. The Ala206SerfsX15 frameshift variant is predicted to alter the protein’s amino acid sequence beginning at position 206 and lead to a premature termination codon 15 amino acids downstream. This alteration is then predicted to lead to a truncated or absent protein. In summary, this variant is likely to be pathogenic, though additional data are required to fully establish the role of the FOXRED1 gene in disease given limited studies to date.

Literature cited by the submitters: PubMed 22200994 (cited by 5 submitters); PubMed 30723688 (cited by OLLIN Analises Genomicas, OLLIN and Variantyx, Inc.); PubMed 31065540 (cited by 3 submitters); PubMed 20818383 (cited by Labcorp Genetics (formerly Invitae), Labcorp); PubMed 20858599 (cited by Labcorp Genetics (formerly Invitae), Labcorp); PubMed 29142257 (cited by Variantyx, Inc. and Ambry Genetics); PubMed 23757202 (cited by Eurofins Ntd Llc (ga)).